The following is an entry in ClinVar:

NM_001365536.1(SCN9A):c.545C>T (p.Thr182Ile)

Gene: SCN9A (sodium voltage-gated channel alpha subunit 9; minus strand). Cytogenetic location: 2q24.3.
Variant type: single nucleotide variant.
Coding change: c.545C>T on transcript NM_001365536.1 (MANE Select); coding-DNA position 545, C replaced by T.
Protein change: p.Thr182Ile; replaces threonine 182 with isoleucine.
Molecular consequence: missense variant.
Genome position (GRCh38, 1-based): chr2:166,305,843, G>A on the plus strand (C>T on the coding strand, the complement: SCN9A is on the minus strand). VCF-style: chr2-166305843-G-A. GRCh37 (hg19) VCF-style: chr2-167162353-G-A.
Other names: c.545C>T, p.Thr182Ile (NM_002977.4); short protein forms T182I.
Identifiers: ClinVar variation 2127123 (VCV002127123.4), dbSNP rs2106526246, ClinGen allele CA349095115.

ClinVar aggregate classification (germline): Uncertain significance (1 of 4 stars; one submission).

Conditions:
Neuropathy, hereditary sensory and autonomic, type 2A (HSAN2A). Also called: WNK1-Related HSAN2 (HSAN2A); HSAN IIA; ACROOSTEOLYSIS, GIACCAI TYPE; ACROOSTEOLYSIS, NEUROGENIC; MORVAN DISEASE; NEUROPATHY, CONGENITAL SENSORY. Identifiers: Orphanet 970, MedGen C2752089, MONDO:0024309, OMIM 201300.
Generalized epilepsy with febrile seizures plus, type 7 (GEFSP7). Also called: GEFS+, TYPE 7. Identifiers: Orphanet 36387, MedGen C2751778, MONDO:0013470, OMIM 613863.

Submission:

Labcorp Genetics (formerly Invitae), Labcorp
Classification: Uncertain significance for Neuropathy, hereditary sensory and autonomic, type 2A; Generalized epilepsy with febrile seizures plus, type 7. Last evaluated: 2022-11-15. Review status: criteria provided, single submitter. Criteria: Invitae Variant Classification Sherloc (09022015). Collection method: clinical testing. Allele origin: germline.
Comment: In summary, the available evidence is currently insufficient to determine the role of this variant in disease. Therefore, it has been classified as a Variant of Uncertain Significance. This sequence change replaces threonine, which is neutral and polar, with isoleucine, which is neutral and non-polar, at codon 182 of the SCN9A protein (p.Thr182Ile). This variant is not present in population databases (gnomAD no frequency). This variant has not been reported in the literature in individuals affected with SCN9A-related conditions. Advanced modeling of protein sequence and biophysical properties (such as structural, functional, and spatial information, amino acid conservation, physicochemical variation, residue mobility, and thermodynamic stability) has been performed at Invitae for this missense variant, however the output from this modeling did not meet the statistical confidence thresholds required to predict the impact of this variant on SCN9A protein function.